The following is an entry in ClinVar:

NM_000277.3(PAH):c.1065+241C>A

Gene: PAH (phenylalanine hydroxylase; minus strand). Cytogenetic location: 12q23.2.
Variant type: single nucleotide variant.
Coding change: c.1065+241C>A on transcript NM_000277.3 (MANE Select); 241 bases into the intron after coding-DNA position 1065, C replaced by A.
Molecular consequence: intron variant.
Genome position (GRCh38, 1-based): chr12:102,844,095, G>T on the plus strand (C>A on the coding strand, the complement: PAH is on the minus strand). VCF-style: chr12-102844095-G-T. GRCh37 (hg19) VCF-style: chr12-103237873-G-T.
Other names: c.1065+241C>A (NM_001354304.2).
Identifiers: ClinVar variation 1120177 (VCV001120177.3), dbSNP rs2136636327, ClinGen allele CA2499221392.

ClinVar aggregate classification (germline): Pathogenic. Review status: criteria provided, single submitter (1 of 4 stars). 3 submissions from 3 submitters: Pathogenic (1). 2 of the submissions do not count toward it. Last evaluated 2023-04-19.

Conditions:
Phenylketonuria (PKU). Also called: Phenylketonurias; Phenylketonuria (PKU); OLIGOPHRENIA PHENYLPYRUVICA; FOLLING DISEASE. Identifiers: Orphanet 716, MedGen C0031485, MONDO:0009861, OMIM 261600. Disease mechanism: loss of function.

Submissions (3):

Baylor Genetics
Classification: Pathogenic for Phenylketonuria. Last evaluated: 2023-04-19. Review status: criteria provided, single submitter. Criteria: ACMG Guidelines, 2015. Collection method: clinical testing. Allele origin: unknown.

Department of Reproductive Genetics, International Peace Maternity and Child Health Hospital, Shanghai Jiao Tong University School of Medicine
Classification: Pathogenic for Phenylketonuria. Last evaluated: 2025-05-01. Review status: no assertion criteria provided. Collection method: clinical testing. Allele origin: inherited. Affected: yes. Not counted in ClinVar's aggregate classification.
Comment: This variant was absent from population databases. Several independent studies have reported this variant in patients with consistent clinical phenotypes.

Beijing Obstetrics and Gynecology Hospital, Capital Medical University
Classification: Likely pathogenic for Phenylketonuria. Last evaluated: 2021-05-20. Review status: no assertion criteria provided. Collection method: clinical testing. Allele origin: germline. Affected: yes. Not counted in ClinVar's aggregate classification.

Literature cited by the submitters: PubMed 37237386 (cited by Department of Reproductive Genetics, International Peace Maternity and Child Health Hospital, Shanghai Jiao Tong University School of Medicine); PubMed 36849017 (cited by Department of Reproductive Genetics, International Peace Maternity and Child Health Hospital, Shanghai Jiao Tong University School of Medicine); PubMed 34747549 (cited by Department of Reproductive Genetics, International Peace Maternity and Child Health Hospital, Shanghai Jiao Tong University School of Medicine).